The following is an entry in ClinVar:

NM_005591.4(MRE11):c.1972A>G (p.Thr658Ala)

Gene: MRE11 (MRE11 double strand break repair nuclease; minus strand). Cytogenetic location: 11q21.
Variant type: single nucleotide variant.
Coding change: c.1972A>G on transcript NM_005591.4 (MANE Select); coding-DNA position 1972, A replaced by G.
Protein change: p.Thr658Ala; replaces threonine 658 with alanine.
Molecular consequence: missense variant.
Genome position (GRCh38, 1-based): chr11:94,435,854, T>C on the plus strand (A>G on the coding strand, the complement: MRE11 is on the minus strand). VCF-style: chr11-94435854-T-C. GRCh37 (hg19) VCF-style: chr11-94169020-T-C.
Other names: c.1969A>G, p.Thr657Ala (NM_001330347.2); c.1888A>G, p.Thr630Ala (NM_005590.4); short protein forms T658A, T657A, T630A.
Identifiers: ClinVar variation 142837 (VCV000142837.13), dbSNP rs587782756, ClinGen allele CA169543.

ClinVar aggregate classification (germline): Conflicting classifications of pathogenicity. Review status: criteria provided, conflicting classifications (1 of 4 stars). 4 submissions from 4 submitters: Uncertain significance (3); Likely benign (1). Last evaluated 2025-09-28.

Conditions:
Ataxia-telangiectasia-like disorder (ATLD). Identifiers: MedGen C1858391, MONDO:0011457.
Hereditary cancer-predisposing syndrome. Also called: Hereditary Cancer Syndrome; Neoplastic Syndromes, Hereditary; Hereditary neoplastic syndrome; Tumor predisposition. Identifiers: Orphanet 140162, MedGen C0027672, MeSH D009386, MONDO:0015356.

Allele frequency attached by ClinVar (database versions not stated): gnomAD 0.00004 and 0.00005; TOPMed 0.00006; ExAC 0.00008.
gnomAD v4.1: 66 of 1,613,690 alleles (0.0041%); highest among the groups gnomAD compares: Middle Eastern, 0.016%; 1 homozygote.

Submissions (4):

Labcorp Genetics (formerly Invitae), Labcorp
Classification: Uncertain significance for Ataxia-telangiectasia-like disorder. Last evaluated: 2025-09-28. Review status: criteria provided, single submitter. Criteria: Invitae Variant Classification Sherloc (09022015). Collection method: clinical testing. Allele origin: germline.
Comment: This sequence change replaces threonine, which is neutral and polar, with alanine, which is neutral and non-polar, at codon 658 of the MRE11 protein (p.Thr658Ala). This variant is present in population databases (rs587782756, gnomAD 0.01%), including at least one homozygous and/or hemizygous individual. This variant has not been reported in the literature in individuals affected with MRE11-related conditions. ClinVar contains an entry for this variant (Variation ID: 142837). An algorithm developed to predict the effect of missense changes on protein structure and function outputs the following: PolyPhen-2: "Benign". The alanine amino acid residue is found in multiple mammalian species, which suggests that this missense change does not adversely affect protein function. In summary, the available evidence is currently insufficient to determine the role of this variant in disease. Therefore, it has been classified as a Variant of Uncertain Significance.

Sema4
Classification: Uncertain significance for Hereditary cancer-predisposing syndrome. Last evaluated: 2021-06-29. Review status: criteria provided, single submitter. Criteria: Sema4 Curation Guidelines. Collection method: curation. Allele origin: germline.
Comment: The MRE11 c.1972A>G (p.T658A) variant has not been reported in the literature to our knowledge. This variant was observed in 6/35434 chromosomes in the Latino population, according to the Genome Aggregation Database (PMID: 32461654). This variant has been reported in ClinVar (Variation ID 142837). In silico tools suggest the impact of the variant on protein function is benign, though these predictions have not been confirmed by functional studies. The overall evidence is insufficient to meet ACMG/AMP criteria for classifying it as benign or pathogenic. In summary, the clinical significance of this variant is currently uncertain.

Ambry Genetics
Classification: Likely benign for Hereditary cancer-predisposing syndrome. Last evaluated: 2020-05-22. Review status: criteria provided, single submitter. Criteria: Ambry Variant Classification Scheme 2023. Collection method: clinical testing. Allele origin: germline.

Athena Diagnostics
Classification: Uncertain significance. Last evaluated: 2016-11-16. Review status: criteria provided, single submitter. Criteria: Athena Diagnostics Criteria. Collection method: clinical testing. Allele origin: germline.